The following is an entry in ClinVar:

NM_000274.4(OAT):c.565A>G (p.Thr189Ala)

Gene: OAT (ornithine aminotransferase; minus strand). Cytogenetic location: 10q26.13.
Variant type: single nucleotide variant.
Coding change: c.565A>G on transcript NM_000274.4 (MANE Select); coding-DNA position 565, A replaced by G.
Protein change: p.Thr189Ala; replaces threonine 189 with alanine.
Molecular consequence: missense variant. On other transcripts: 5 prime UTR variant (1).
Genome position (GRCh38, 1-based): chr10:124,405,519, T>C on the plus strand (A>G on the coding strand, the complement: OAT is on the minus strand). VCF-style: chr10-124405519-T-C. GRCh37 (hg19) VCF-style: chr10-126094088-T-C.
Other names: c.151A>G, p.Thr51Ala (NM_001171814.2); c.565A>G, p.Thr189Ala (NM_001322965.2, NM_001322966.2, NM_001322967.2 and 3 more transcripts); c.244A>G, p.Thr82Ala (NM_001322971.2); c.-36A>G (NM_001322974.2); short protein forms T51A, T189A, T82A.
Identifiers: ClinVar variation 1928287 (VCV001928287.4), dbSNP rs1951550415, ClinGen allele CA378636551.

ClinVar aggregate classification (germline): Uncertain significance (1 of 4 stars; one submission).

Conditions:
Ornithine aminotransferase deficiency (GACR). Also called: HYPERORNITHINEMIA WITH GYRATE ATROPHY OF CHOROID AND RETINA; OAT DEFICIENCY; OKT DEFICIENCY; Ornithine ketoacid aminotransferase deficiency; Gyrate atrophy; Gyrate atrophy of choroid and retina. Identifiers: Orphanet 414, MedGen C0018425, MONDO:0009796, OMIM 258870.

Submission:

Labcorp Genetics (formerly Invitae), Labcorp
Classification: Uncertain significance for Ornithine aminotransferase deficiency. Last evaluated: 2024-03-04. Review status: criteria provided, single submitter. Criteria: Invitae Variant Classification Sherloc (09022015). Collection method: clinical testing. Allele origin: germline.
Comment: This sequence change replaces threonine, which is neutral and polar, with alanine, which is neutral and non-polar, at codon 189 of the OAT protein (p.Thr189Ala). This variant is not present in population databases (gnomAD no frequency). This variant has not been reported in the literature in individuals affected with OAT-related conditions. ClinVar contains an entry for this variant (Variation ID: 1928287). Advanced modeling of protein sequence and biophysical properties (such as structural, functional, and spatial information, amino acid conservation, physicochemical variation, residue mobility, and thermodynamic stability) performed at Invitae indicates that this missense variant is not expected to disrupt OAT protein function with a negative predictive value of 80%. In summary, the available evidence is currently insufficient to determine the role of this variant in disease. Therefore, it has been classified as a Variant of Uncertain Significance.